The following is an entry in ClinVar:

ClinVar aggregate classification (germline): Conflicting classifications of pathogenicity. Review status: criteria provided, conflicting classifications (1 of 4 stars). 5 submissions from 5 submitters: Uncertain significance (1); Likely benign (3). 1 of the submissions does not count toward it. Last evaluated 2026-02-03.

Conditions:
TTN-related disorder. Also called: TTN-related disorders; TTN-related condition; TTN-related disease.
Dilated cardiomyopathy 1G (CMD1G). Identifiers: Orphanet 154, MedGen C1858763, MONDO:0011400, OMIM 604145.
Autosomal recessive limb-girdle muscular dystrophy type 2J (LGMDR10). Also called: Limb-girdle muscular dystrophy, type 2J; MUSCULAR DYSTROPHY, LIMB-GIRDLE, AUTOSOMAL RECESSIVE 10. Identifiers: Orphanet 140922, MedGen C1837342, MONDO:0012127, OMIM 608807.

Allele frequency attached by ClinVar (database versions not stated): ESP Exome Variant Server 0.00017; TOPMed 0.00004; gnomAD 0.00005 and 0.00003; gnomAD exomes 0.00009 and 0.00004; ExAC 0.00010.
gnomAD v4.1: 67 of 1,610,728 alleles (0.0042%); highest among the groups gnomAD compares: South Asian, 0.03%; 1 homozygote.

Submissions (5):

Labcorp Genetics (formerly Invitae), Labcorp
Classification: Likely benign for Dilated cardiomyopathy 1G; Autosomal recessive limb-girdle muscular dystrophy type 2J. Last evaluated: 2026-02-03. Review status: criteria provided, single submitter. Criteria: Invitae Variant Classification Sherloc (09022015). Collection method: clinical testing. Allele origin: germline.

Women's Health and Genetics/Laboratory Corporation of America, LabCorp
Classification: Likely benign. Last evaluated: 2022-08-15. Review status: criteria provided, single submitter. Criteria: LabCorp Variant Classification Summary - May 2015. Collection method: clinical testing. Allele origin: germline.

CeGaT Center for Human Genetics Tuebingen
Classification: Likely benign. Last evaluated: 2022-06-01. Review status: criteria provided, single submitter. Criteria: CeGaT Center For Human Genetics Tuebingen Variant Classification Criteria Version 2. Collection method: clinical testing. Allele origin: germline. Affected: yes. Observed: 1 variant allele.
Comment: TTN: BP4, BP7

Eurofins Ntd Llc (ga)
Classification: Uncertain significance. Last evaluated: 2018-01-22. Review status: criteria provided, single submitter. Criteria: EGL Classification Definitions 2015. Collection method: clinical testing. Allele origin: germline. Observed: 1 variant allele, 1 heterozygote.

PreventionGenetics, part of Exact Sciences
Classification: Likely benign for TTN-related condition. Last evaluated: 2019-05-24. Review status: no assertion criteria provided. Collection method: clinical testing. Allele origin: germline. Not counted in ClinVar's aggregate classification.
Comment: This variant is classified as likely benign based on ACMG/AMP sequence variant interpretation guidelines (Richards et al. 2015 PMID: 25741868, with internal and published modifications).

NM_001267550.2(TTN):c.33966G>A (p.Pro11322=)

Gene: TTN (titin; minus strand). Cytogenetic location: 2q31.2.
Variant type: single nucleotide variant.
Coding change: c.33966G>A on transcript NM_001267550.2 (MANE Select); coding-DNA position 33966, G replaced by A.
Protein change: p.Pro11322=; no amino-acid change (proline 11322 retained).
Molecular consequence: synonymous variant. On other transcripts: intron variant (3).
Genome position (GRCh38, 1-based): chr2:178,678,153, C>T on the plus strand (G>A on the coding strand, the complement: TTN is on the minus strand). VCF-style: chr2-178678153-C-T. GRCh37 (hg19) VCF-style: chr2-179542880-C-T.
Other names: c.33015G>A, p.Pro11005= (NM_001256850.1); c.30234G>A, p.Pro10078= (NM_133378.4); c.13283-35836G>A (NM_003319.4); c.13859-35836G>A (NM_133437.4); c.13658-35836G>A (NM_133432.3).
Identifiers: ClinVar variation 238746 (VCV000238746.41), dbSNP rs373083865, ClinGen allele CA1998171.